The following is an entry in ClinVar:

ClinVar aggregate classification (germline): Uncertain significance (1 of 4 stars; one submission).

Submission:

Labcorp Genetics (formerly Invitae), Labcorp
Classification: Uncertain significance. Last evaluated: 2022-01-12. Review status: criteria provided, single submitter. Criteria: Invitae Variant Classification Sherloc (09022015). Collection method: clinical testing. Allele origin: germline.
Comment: This variant results in the deletion of part of exon 8 (c.1345-79_1364delinsTCAA) of the GALNT12 gene. It is expected to disrupt RNA splicing. Variants that disrupt the donor or acceptor splice site typically lead to a loss of protein function (PMID: 16199547), however the current clinical and genetic evidence is not sufficient to establish whether loss-of-function variants in GALNT12 cause disease. This variant is not present in population databases (gnomAD no frequency). This variant has not been reported in the literature in individuals affected with GALNT12-related conditions. Algorithms developed to predict the effect of sequence changes on RNA splicing suggest that this variant may disrupt the consensus splice site. In summary, the available evidence is currently insufficient to determine the role of this variant in disease. Therefore, it has been classified as a Variant of Uncertain Significance.

Literature cited by the submitters: PubMed 16199547.

NM_024642.5(GALNT12):c.1345-79_1364delinsTCAA

Gene: GALNT12 (polypeptide N-acetylgalactosaminyltransferase 12; plus strand). Cytogenetic location: 9q22.33.
Variant type: Indel.
Coding change: c.1345-79_1364delinsTCAA on transcript NM_024642.5 (MANE Select); 79 bases into the intron before coding-DNA position 1345 through coding-DNA position 1364, the reference bases replaced by TCAA.
Molecular consequence: splice acceptor variant.
Genome position (GRCh38, 1-based): chr9:98,844,017-98,844,115, 99 bases replaced. GRCh37 (hg19): chr9:101,606,299-101,606,397.
Identifiers: ClinVar variation 2081467 (VCV002081467.4), dbSNP rs2490551763, ClinGen allele CA2580080848.